The following is an entry in ClinVar:

ClinVar aggregate classification (germline): Uncertain significance (1 of 4 stars; one submission).

Conditions:
POLD1-related polyposis and colorectal cancer syndrome (CRCS10). Also called: Colorectal cancer 10; COLORECTAL CANCER, SUSCEPTIBILITY TO, ON CHROMOSOME 19q; Colorectal cancer, susceptibility to, 10. Identifiers: Orphanet 220460, MedGen C2675481, MONDO:0012953, OMIM 612591.

Submission:

Labcorp Genetics (formerly Invitae), Labcorp
Classification: Uncertain significance for POLD1-related polyposis and colorectal cancer syndrome. Last evaluated: 2019-11-12. Review status: criteria provided, single submitter. Criteria: Invitae Variant Classification Sherloc (09022015). Collection method: clinical testing. Allele origin: germline.
Comment: In summary, the available evidence is currently insufficient to determine the role of this variant in disease. Therefore, it has been classified as a Variant of Uncertain Significance. Algorithms developed to predict the effect of missense changes on protein structure and function are either unavailable or do not agree on the potential impact of this missense change (SIFT: "Deleterious"; PolyPhen-2: "Probably Damaging"; Align-GVGD: "Class C0"). This variant has not been reported in the literature in individuals with POLD1-related conditions. This variant is not present in population databases (ExAC no frequency). This sequence change replaces isoleucine with asparagine at codon 868 of the POLD1 protein (p.Ile868Asn). The isoleucine residue is highly conserved and there is a large physicochemical difference between isoleucine and asparagine.

NM_002691.4(POLD1):c.2603T>A (p.Ile868Asn)

Gene: POLD1 (DNA polymerase delta 1, catalytic subunit; plus strand). Cytogenetic location: 19q13.33.
Variant type: single nucleotide variant.
Coding change: c.2603T>A on transcript NM_002691.4 (MANE Select); coding-DNA position 2603, T replaced by A.
Protein change: p.Ile868Asn; replaces isoleucine 868 with asparagine.
Molecular consequence: missense variant. On other transcripts: non-coding transcript variant (1).
Genome position (GRCh38, 1-based): chr19:50,415,476, T>A. VCF-style: chr19-50415476-T-A. GRCh37 (hg19) VCF-style: chr19-50918733-T-A.
Other names: c.2681T>A, p.Ile894Asn (NM_001308632.1); c.2603T>A, p.Ile868Asn (NM_001256849.1); short protein forms I894N, I868N.
Identifiers: ClinVar variation 965466 (VCV000965466.9), dbSNP rs2039245319, ClinGen allele CA406985393.
Genomic context (GRCh38, chr19:50,415,476, plus strand): 5'-TGTGCGGCCCGCTCTCCTACAGAGACCCTGAGGGCGCGGTGGCTCACGCACAGGACGTCA[T>A]CTCGGACCTGCTGTGCAACCGCATCGATATCTCCCAGCTGGTCATCACCAAGGAGCTGAC-3'
Protein context (NP_002682.2, residues 858-878): EGAVAHAQDV[Ile868Asn]SDLLCNRIDI